The following is an entry in ClinVar:

NM_000553.6(WRN):c.837G>C (p.Arg279=)

Gene: WRN (WRN RecQ like helicase; plus strand). Cytogenetic location: 8p12.
Variant type: single nucleotide variant.
Coding change: c.837G>C on transcript NM_000553.6 (MANE Select); coding-DNA position 837, G replaced by C.
Protein change: p.Arg279=; no amino-acid change (arginine 279 retained).
Molecular consequence: synonymous variant.
Genome position (GRCh38, 1-based): chr8:31,076,285, G>C. VCF-style: chr8-31076285-G-C. GRCh37 (hg19) VCF-style: chr8-30933801-G-C.
Identifiers: ClinVar variation 705505 (VCV000705505.11), dbSNP rs113672137, ClinGen allele CA4704172.

ClinVar aggregate classification (germline): Likely benign. Review status: criteria provided, multiple submitters, no conflicts (2 of 4 stars). 2 submissions from 2 submitters: Likely benign (2). Last evaluated 2025-06-29.

Conditions:
WRN-related disorder. Also called: WRN-related condition.
Werner syndrome (WRN). Identifiers: Orphanet 902, MedGen C0043119, MONDO:0010196, OMIM 277700.

Allele frequency attached by ClinVar (database versions not stated): gnomAD exomes 0.00001 and 0.00003; ExAC 0.00003; gnomAD 0.00006; TOPMed 0.00006; ESP Exome Variant Server 0.00015; 1000 Genomes Project 30x 0.00016; 1000 Genomes Project 0.00020.
gnomAD v4.1: 22 of 1,611,126 alleles (0.0014%); highest among the groups gnomAD compares: African/African-American, 0.024%; no homozygotes.

Submissions (2):

Labcorp Genetics (formerly Invitae), Labcorp
Classification: Likely benign for Werner syndrome. Last evaluated: 2025-06-29. Review status: criteria provided, single submitter. Criteria: Invitae Variant Classification Sherloc (09022015). Collection method: clinical testing. Allele origin: germline.

PreventionGenetics, part of Exact Sciences
Classification: Likely benign for WRN-related condition. Last evaluated: 2024-10-22. Review status: criteria provided, single submitter. Criteria: ACMG Guidelines, 2015. Collection method: clinical testing. Allele origin: germline.
Comment: This variant is classified as likely benign based on ACMG/AMP sequence variant interpretation guidelines (Richards et al. 2015 PMID: 25741868, with internal and published modifications).